The following is an entry in ClinVar:

ClinVar aggregate classification (germline): Uncertain significance (1 of 4 stars; one submission).

Submission:

Ambry Genetics
Classification: Uncertain significance. Last evaluated: 2022-03-05. Review status: criteria provided, single submitter. Criteria: Ambry Variant Classification Scheme 2023. Collection method: clinical testing. Allele origin: germline.
Comment: The p.T1071P variant (also known as c.3211A>C), located in coding exon 16 of the POLQ gene, results from an A to C substitution at nucleotide position 3211. The threonine at codon 1071 is replaced by proline, an amino acid with highly similar properties. This amino acid position is conserved. In addition, this alteration is predicted to be tolerated by in silico analysis. Since supporting evidence is limited at this time, the clinical significance of this alteration remains unclear.

NM_199420.4(POLQ):c.3211A>C (p.Thr1071Pro)

Gene: POLQ (DNA polymerase theta; minus strand). Cytogenetic location: 3q13.33.
Variant type: single nucleotide variant.
Coding change: c.3211A>C on transcript NM_199420.4 (MANE Select); coding-DNA position 3211, A replaced by C.
Protein change: p.Thr1071Pro; replaces threonine 1071 with proline.
Molecular consequence: missense variant.
Genome position (GRCh38, 1-based): chr3:121,489,720, T>G on the plus strand (A>C on the coding strand, the complement: POLQ is on the minus strand). VCF-style: chr3-121489720-T-G. GRCh37 (hg19) VCF-style: chr3-121208567-T-G.
Other names: short protein forms T1071P.
Identifiers: ClinVar variation 1728940 (VCV001728940.2), dbSNP rs1020379709, ClinGen allele CA81836481.